The following is an entry in ClinVar:

ClinVar aggregate classification (germline): Benign/Likely benign. Review status: criteria provided, multiple submitters, no conflicts (2 of 4 stars). 4 submissions from 4 submitters: Benign (1); Likely benign (3). Last evaluated 2026-01-31.

Conditions:
Congenital secretory diarrhea, chloride type (DIAR1). Also called: DIARRHEA 1, SECRETORY CHLORIDE, CONGENITAL; CHLORIDORRHEA, CONGENITAL; CHLORIDE DIARRHEA, CONGENITAL, FINNISH TYPE. Identifiers: Orphanet 53689, MedGen C0267662, MONDO:0008964, OMIM 214700.

Allele frequency attached by ClinVar (database versions not stated): gnomAD exomes 0.00070 and 0.00183; ExAC 0.00229; gnomAD 0.00732 and 0.00777; ESP Exome Variant Server 0.00800; TOPMed 0.00844; 1000 Genomes Project 0.01018; 1000 Genomes Project 30x 0.01031.
gnomAD v4.1: 2,164 of 1,613,546 alleles (0.13%); highest among the groups gnomAD compares: African/African-American, 2.5%; 26 homozygotes.

Submissions (4):

Labcorp Genetics (formerly Invitae), Labcorp
Classification: Benign. Last evaluated: 2026-01-31. Review status: criteria provided, single submitter. Criteria: Invitae Variant Classification Sherloc (09022015). Collection method: clinical testing. Allele origin: germline.

GeneDx
Classification: Likely benign. Last evaluated: 2020-05-14. Review status: criteria provided, single submitter. Criteria: GeneDx Variant Classification Process June 2021. Collection method: clinical testing. Allele origin: germline. Affected: yes.

Illumina Laboratory Services, Illumina
Classification: Likely benign for Congenital secretory diarrhea, chloride type. Last evaluated: 2017-04-27. Review status: criteria provided, single submitter. Criteria: ICSL Variant Classification Criteria 13 December 2019. Collection method: clinical testing. Allele origin: germline.
Comment: This variant was observed as part of a predisposition screen in an ostensibly healthy population. A literature search was performed for the gene, cDNA change, and amino acid change (where applicable). No publications were found based on this search. Allele frequency data from public databases allowed determination this variant is unlikely to cause disease. Therefore, this variant is classified as likely benign.

Breakthrough Genomics
Classification: Likely benign. Review status: criteria provided, single submitter. Criteria: ACMG Guidelines, 2015. Collection method: not provided. Allele origin: germline. Inheritance: Autosomal recessive inheritance. Affected: yes.

NM_000111.3(SLC26A3):c.1529C>T (p.Thr510Met)

Gene: SLC26A3 (solute carrier family 26 member 3; minus strand). Cytogenetic location: 7q22.3.
Variant type: single nucleotide variant.
Coding change: c.1529C>T on transcript NM_000111.3 (MANE Select); coding-DNA position 1529, C replaced by T.
Protein change: p.Thr510Met; replaces threonine 510 with methionine.
Molecular consequence: missense variant.
Genome position (GRCh38, 1-based): chr7:107,776,692, G>A on the plus strand (C>T on the coding strand, the complement: SLC26A3 is on the minus strand). VCF-style: chr7-107776692-G-A. GRCh37 (hg19) VCF-style: chr7-107417137-G-A.
Other names: short protein forms T510M.
Identifiers: ClinVar variation 358543 (VCV000358543.19), dbSNP rs60147601, ClinGen allele CA4433794.